The following is an entry in ClinVar:

NM_001172509.2(SATB2):c.911C>G (p.Pro304Arg)

Gene: SATB2 (SATB homeobox 2; minus strand). Cytogenetic location: 2q33.1.
Variant type: single nucleotide variant.
Coding change: c.911C>G on transcript NM_001172509.2 (MANE Select); coding-DNA position 911, C replaced by G.
Protein change: p.Pro304Arg; replaces proline 304 with arginine.
Molecular consequence: missense variant.
Genome position (GRCh38, 1-based): chr2:199,348,963, G>C on the plus strand (C>G on the coding strand, the complement: SATB2 is on the minus strand). VCF-style: chr2-199348963-G-C. GRCh37 (hg19) VCF-style: chr2-200213686-G-C.
Other names: c.911C>G, p.Pro304Arg (NM_001172517.1, NM_015265.4); short protein forms P304R.
Identifiers: ClinVar variation 2502739 (VCV002502739.1), dbSNP rs2105823252, ClinGen allele CA350387865.
Genomic context (GRCh38, chr2:199,348,963, plus strand): 5'-CTAACGGCAATCTGTTGGTTTATCAGATGGGCCATGGCTATTTGTTGCCTTACAAGTTGT[G>C]GACTAAGCTGGGGAGAAAGAAGACCAGGGCTCATGATGGGCTGTAATGCGGGCACTTGGT-3'
Protein context (NP_001165980.1, residues 294-314): SPGLLSPQLS[Pro304Arg]QLVRQQIAMA

ClinVar aggregate classification (germline): Uncertain significance (1 of 4 stars; one submission).

Submission:

GeneDx
Classification: Uncertain significance. Last evaluated: 2022-11-21. Review status: criteria provided, single submitter. Criteria: GeneDx Variant Classification Process June 2021. Collection method: clinical testing. Allele origin: germline. Affected: yes.
Comment: Not observed at significant frequency in large population cohorts (gnomAD); In silico analysis supports that this missense variant has a deleterious effect on protein structure/function; Has not been previously published as pathogenic or benign to our knowledge